The following is an entry in ClinVar:

ClinVar aggregate classification (germline): Likely benign (0 of 4 stars; one submission).

Conditions:
PKD1-related disorder. Also called: PKD1-related condition.

gnomAD v4.1: 7 of 1,612,674 alleles (0.00043%); highest among the groups gnomAD compares: African/African-American, 0.0013%; no homozygotes.

Submission:

PreventionGenetics, part of Exact Sciences
Classification: Likely benign for PKD1-related condition. Last evaluated: 2023-12-13. Review status: no assertion criteria provided. Collection method: clinical testing. Allele origin: germline.
Comment: This variant is classified as likely benign based on ACMG/AMP sequence variant interpretation guidelines (Richards et al. 2015 PMID: 25741868, with internal and published modifications).

NM_001009944.3(PKD1):c.11205C>G (p.Val3735=)

Genes: PKD1 (polycystin 1, transient receptor potential channel interacting; minus strand), PKD1-AS1 (PKD1 antisense RNA 1; plus strand). Cytogenetic location: 16p13.3.
Variant type: single nucleotide variant.
Coding change: c.11205C>G on transcript NM_001009944.3 (MANE Select); coding-DNA position 11205, C replaced by G.
Protein change: p.Val3735=; no amino-acid change (valine 3735 retained).
Molecular consequence: synonymous variant.
Genome position (GRCh38, 1-based): chr16:2,092,544, G>C on the plus strand (C>G on the coding strand, the complement: PKD1 is on the minus strand). VCF-style: chr16-2092544-G-C. GRCh37 (hg19) VCF-style: chr16-2142545-G-C.
Other names: c.11202C>G, p.Val3734= (NM_000296.4).
Identifiers: ClinVar variation 3031847 (VCV003031847.2), dbSNP rs766223963, ClinGen allele CA7829261.